The following is an entry in ClinVar:

NM_015895.5(GMNN):c.130-19A>G

Gene: GMNN (geminin DNA replication inhibitor; plus strand). Cytogenetic location: 6p22.3.
Variant type: single nucleotide variant.
Coding change: c.130-19A>G on transcript NM_015895.5 (MANE Select); 19 bases into the intron before coding-DNA position 130, A replaced by G.
Molecular consequence: intron variant.
Genome position (GRCh38, 1-based): chr6:24,781,458, A>G. VCF-style: chr6-24781458-A-G. GRCh37 (hg19) VCF-style: chr6-24781686-A-G.
Other names: c.130-19A>G (NM_001251989.2, NM_001251990.2, NM_001251991.1).
Identifiers: ClinVar variation 4695449 (VCV004695449.1).

ClinVar aggregate classification (germline): Uncertain significance (1 of 4 stars; one submission).

gnomAD v4.1: 4 of 1,540,232 alleles (0.00026%); highest among the groups gnomAD compares: South Asian, 0.0035%; no homozygotes.

Submission:

Labcorp Genetics (formerly Invitae), Labcorp
Classification: Uncertain significance. Last evaluated: 2025-06-18. Review status: criteria provided, single submitter. Criteria: Invitae Variant Classification Sherloc (09022015). Collection method: clinical testing. Allele origin: germline.
Comment: This sequence change falls in intron 3 of the GMNN gene. It does not directly change the encoded amino acid sequence of the GMNN protein. This variant is present in population databases (rs752863129, gnomAD 0.01%). This variant has not been reported in the literature in individuals affected with GMNN-related conditions. Algorithms developed to predict the effect of sequence changes on RNA splicing suggest that this variant may create or strengthen a splice site. In summary, the available evidence is currently insufficient to determine the role of this variant in disease. Therefore, it has been classified as a Variant of Uncertain Significance.